The following is an entry in ClinVar:

ClinVar aggregate classification (germline): Benign. Review status: criteria provided, multiple submitters, no conflicts (2 of 4 stars). 2 submissions from 2 submitters: Benign (2). Last evaluated 2018-01-13.

Conditions:
Fanconi anemia complementation group P. Also called: SLX4-Related Fanconi Anemia. Identifiers: Orphanet 84, MedGen C3469542, MONDO:0013499, OMIM 613951.

Allele frequency attached by ClinVar (database versions not stated): 1000 Genomes Project 0.04153; 1000 Genomes Project 30x 0.04263; TOPMed 0.04656; gnomAD 0.04948 and 0.04970; gnomAD exomes 0.05169.

Submissions (2):

Illumina Laboratory Services, Illumina
Classification: Benign for Fanconi anemia complementation group P. Last evaluated: 2018-01-13. Review status: criteria provided, single submitter. Criteria: ICSL Variant Classification Criteria 13 December 2019. Collection method: clinical testing. Allele origin: germline.
Comment: This variant was observed in the ICSL laboratory as part of a predisposition screen in an ostensibly healthy population. It had not been previously curated by ICSL or reported in the Human Gene Mutation Database (HGMD: prior to June 1st, 2018), and was therefore a candidate for classification through an automated scoring system. Utilizing variant allele frequency, disease prevalence and penetrance estimates, and inheritance mode, an automated score was calculated to assess if this variant is too frequent to cause the disease. Based on the score and internal cut-off values, a variant classified as benign is not then subjected to further curation. The score for this variant resulted in a classification of benign for this disease.

Breakthrough Genomics
Classification: Benign. Review status: criteria provided, single submitter. Criteria: ACMG Guidelines, 2015. Collection method: not provided. Allele origin: germline. Inheritance: Autosomal recessive inheritance. Affected: yes.

NM_032444.4(SLX4):c.*721T>C

Gene: SLX4 (SLX4 structure-specific endonuclease subunit; minus strand). Cytogenetic location: 16p13.3.
Variant type: single nucleotide variant.
Coding change: c.*721T>C on transcript NM_032444.4 (MANE Select); 721 bases downstream of the stop codon, T replaced by C.
Molecular consequence: 3 prime UTR variant.
Genome position (GRCh38, 1-based): chr16:3,581,621, A>G on the plus strand (T>C on the coding strand, the complement: SLX4 is on the minus strand). VCF-style: chr16-3581621-A-G. GRCh37 (hg19) VCF-style: chr16-3631622-A-G.
Other names: c.*721T>C (LRG_503t1).
Identifiers: ClinVar variation 319130 (VCV000319130.6), dbSNP rs75146816, ClinGen allele CA10648345.